The following is an entry in ClinVar:

NM_005802.5(TOPORS):c.1396G>C (p.Asp466His)

Gene: TOPORS (TOP1 binding arginine/serine rich protein, E3 ubiquitin ligase; minus strand). Cytogenetic location: 9p21.1.
Variant type: single nucleotide variant.
Coding change: c.1396G>C on transcript NM_005802.5 (MANE Select); coding-DNA position 1396, G replaced by C.
Protein change: p.Asp466His; replaces aspartic acid 466 with histidine.
Molecular consequence: missense variant.
Genome position (GRCh38, 1-based): chr9:32,543,129, C>G on the plus strand (G>C on the coding strand, the complement: TOPORS is on the minus strand). VCF-style: chr9-32543129-C-G. GRCh37 (hg19) VCF-style: chr9-32543127-C-G.
Other names: c.1201G>C, p.Asp401His (NM_001195622.2); c.1396G>C (NM_005802.4); short protein forms D401H, D466H.
Identifiers: ClinVar variation 1415506 (VCV001415506.8), dbSNP rs755081657, ClinGen allele CA5020525.

ClinVar aggregate classification (germline): Conflicting classifications of pathogenicity. Review status: criteria provided, conflicting classifications (1 of 4 stars). 3 submissions from 3 submitters: Uncertain significance (1); Likely benign (2). Last evaluated 2026-01-23.

Conditions:
TOPORS-related disorder. Also called: TOPORS-related condition.

Submissions (3):

Labcorp Genetics (formerly Invitae), Labcorp
Classification: Uncertain significance. Last evaluated: 2026-01-23. Review status: criteria provided, single submitter. Criteria: Invitae Variant Classification Sherloc (09022015). Collection method: clinical testing. Allele origin: germline.
Comment: This sequence change replaces aspartic acid, which is acidic and polar, with histidine, which is basic and polar, at codon 466 of the TOPORS protein (p.Asp466His). This variant is present in population databases (rs755081657, gnomAD 0.07%), and has an allele count higher than expected for a pathogenic variant. This variant has not been reported in the literature in individuals affected with TOPORS-related conditions. ClinVar contains an entry for this variant (Variation ID: 1415506). An algorithm developed to predict the effect of missense changes on protein structure and function (PolyPhen-2) suggests that this variant is likely to be disruptive. In summary, the available evidence is currently insufficient to determine the role of this variant in disease. Therefore, it has been classified as a Variant of Uncertain Significance.

PreventionGenetics, part of Exact Sciences
Classification: Likely benign for TOPORS-related condition. Last evaluated: 2025-05-14. Review status: criteria provided, single submitter. Criteria: ACMG Guidelines, 2015. Collection method: clinical testing. Allele origin: germline.
Comment: This variant is classified as likely benign based on ACMG/AMP sequence variant interpretation guidelines (Richards et al. 2015 PMID: 25741868, with internal and published modifications).

Blueprint Genetics
Classification: Likely benign. Last evaluated: 2021-02-22. Review status: criteria provided, single submitter. Criteria: ACMG Guidelines, 2015. Collection method: clinical testing. Allele origin: germline.